The following is an entry in ClinVar:

NM_005726.6(TSFM):c.250A>T (p.Lys84Ter)

Gene: TSFM (Ts translation elongation factor, mitochondrial; plus strand). Cytogenetic location: 12q14.1.
Variant type: single nucleotide variant.
Coding change: c.250A>T on transcript NM_005726.6 (MANE Select); coding-DNA position 250, A replaced by T.
Protein change: p.Lys84Ter; replaces lysine 84 with a stop codon.
Molecular consequence: nonsense.
Genome position (GRCh38, 1-based): chr12:57,786,181, A>T. VCF-style: chr12-57786181-A-T. GRCh37 (hg19) VCF-style: chr12-58179964-A-T.
Other names: c.250A>T, p.Lys84Ter (NM_001172695.2, NM_001172696.2, NM_001172697.2); short protein forms K84*.
Identifiers: ClinVar variation 2032839 (VCV002032839.6), dbSNP rs2540949104, ClinGen allele CA385525103.

ClinVar aggregate classification (germline): Pathogenic/Likely pathogenic. Review status: criteria provided, multiple submitters, no conflicts (2 of 4 stars). 2 submissions from 2 submitters: Pathogenic (1); Likely pathogenic (1). Last evaluated 2024-04-06.

Conditions:
Fatal mitochondrial disease due to combined oxidative phosphorylation defect type 3. Also called: ENCEPHALOMYOPATHY, RESPIRATORY FAILURE, AND LACTIC ACIDOSIS; Combined oxidative phosphorylation deficiency 3. Identifiers: Orphanet 168566, MedGen C1864840, MONDO:0012512, OMIM 610505.

Allele frequency attached by ClinVar (database versions not stated): gnomAD exomes below 0.00001.
gnomAD v4.1: 2 of 1,607,288 alleles (0.00012%); highest among the groups gnomAD compares: Non-Finnish European, 0.00017%; no homozygotes.

Submissions (2):

Labcorp Genetics (formerly Invitae), Labcorp
Classification: Pathogenic. Last evaluated: 2024-04-06. Review status: criteria provided, single submitter. Criteria: Invitae Variant Classification Sherloc (09022015). Collection method: clinical testing. Allele origin: germline.
Comment: This sequence change creates a premature translational stop signal (p.Lys84*) in the TSFM gene. It is expected to result in an absent or disrupted protein product. Loss-of-function variants in TSFM are known to be pathogenic (PMID: 17033963, 20435138, 25037205, 27677415). This variant is not present in population databases (gnomAD no frequency). This variant has not been reported in the literature in individuals affected with TSFM-related conditions. ClinVar contains an entry for this variant (Variation ID: 2032839). For these reasons, this variant has been classified as Pathogenic.

Baylor Genetics
Classification: Likely pathogenic for Fatal mitochondrial disease due to combined oxidative phosphorylation defect type 3. Last evaluated: 2024-01-28. Review status: criteria provided, single submitter. Criteria: ACMG Guidelines, 2015. Collection method: clinical testing. Allele origin: unknown.

Literature cited by the submitters: PubMed 17033963 (cited by Labcorp Genetics (formerly Invitae), Labcorp); PubMed 20435138 (cited by Labcorp Genetics (formerly Invitae), Labcorp); PubMed 25037205 (cited by Labcorp Genetics (formerly Invitae), Labcorp); PubMed 27677415 (cited by Labcorp Genetics (formerly Invitae), Labcorp).